The following is an entry in ClinVar:

ClinVar aggregate classification (germline): Uncertain significance (1 of 4 stars; one submission).

Conditions:
Inborn genetic diseases. Identifiers: MedGen C0950123, MeSH D030342.

Allele frequency attached by ClinVar (database versions not stated): gnomAD exomes below 0.00001.
gnomAD v4.1: 3 of 1,613,894 alleles (0.00019%); highest among the groups gnomAD compares: Non-Finnish European, 0.00025%; no homozygotes.

Submission:

Ambry Genetics
Classification: Uncertain significance for Inborn genetic diseases. Last evaluated: 2024-09-30. Review status: criteria provided, single submitter. Criteria: Ambry Variant Classification Scheme 2023. Collection method: clinical testing. Allele origin: germline.
Comment: The p.P83R variant (also known as c.248C>G), located in coding exon 3 of the RAD51 gene, results from a C to G substitution at nucleotide position 248. The proline at codon 83 is replaced by arginine, an amino acid with dissimilar properties. This amino acid position is conserved. In addition, this alteration is predicted to be deleterious by in silico analysis. Since supporting evidence is limited at this time, the clinical significance of this alteration remains unclear.

NM_002875.5(RAD51):c.248C>G (p.Pro83Arg)

Gene: RAD51 (RAD51 recombinase; plus strand). Cytogenetic location: 15q15.1.
Variant type: single nucleotide variant.
Coding change: c.248C>G on transcript NM_002875.5 (MANE Select); coding-DNA position 248, C replaced by G.
Protein change: p.Pro83Arg; replaces proline 83 with arginine.
Molecular consequence: missense variant. On other transcripts: intron variant (2).
Genome position (GRCh38, 1-based): chr15:40,706,199, C>G. VCF-style: chr15-40706199-C-G. GRCh37 (hg19) VCF-style: chr15-40998397-C-G.
Other names: c.248C>G, p.Pro83Arg (NM_001164270.2); c.347-2826C>G (NM_133487.4, NM_001164269.2); short protein forms P83R.
Identifiers: ClinVar variation 1792044 (VCV001792044.3), dbSNP rs2504436371, ClinGen allele CA391749439.